The following is an entry in ClinVar:

NM_000381.4(MID1):c.1538_1605dup (p.Ile536delinsProArgArgValThrHisLeuAsnAlaSerProAlaArgGlyAlaMetGluTer)

Gene: MID1 (midline 1; minus strand). Cytogenetic location: Xp22.2.
Variant type: Duplication.
Coding change: c.1538_1605dup on transcript NM_000381.4 (MANE Select); coding-DNA positions 1538 to 1605, 68 bases duplicated.
Protein change: p.Ile536delinsProArgArgValThrHisLeuAsnAlaSerProAlaArgGlyAlaMetGluTer.
Molecular consequence: nonsense.
Genome position (GRCh38, 1-based): chrX:10,454,920-10,454,987, 68 bases duplicated. GRCh37 (hg19): chrX:10,422,961-10,423,028.
Other names: c.1538_1605dup, p.Ile536delinsProArgArgValThrHisLeuAsnAlaSerProAlaArgGlyAlaMetGluTer (NM_001098624.2, NM_001193277.1, NM_001347733.2 and 1 more transcripts); c.1424_1491dup, p.Ile498delinsProArgArgValThrHisLeuAsnAlaSerProAlaArgGlyAlaMetGluTer (NM_033289.2).
Identifiers: ClinVar variation 2633640 (VCV002633640.1), dbSNP rs2518968860, ClinGen allele CA2695200148.

ClinVar aggregate classification (germline): Likely pathogenic (1 of 4 stars; one submission).

Conditions:
MID1-related disorder. Also called: MID1-related condition.

Submission:

PreventionGenetics, part of Exact Sciences
Classification: Likely pathogenic for MID1-related condition. Last evaluated: 2023-03-25. Review status: criteria provided, single submitter. Criteria: ACMG Guidelines, 2015. Collection method: clinical testing. Allele origin: germline.
Comment: The MID1 c.1538_1605dup68 variant is predicted to result in a frameshift and premature protein termination (p.Ile536Profs*18). To our knowledge, this variant has not been reported in the literature or in a large population database, indicating this variant is rare. Frameshift variants in MID1 are expected to be pathogenic. This variant is interpreted as likely pathogenic.